The following is an entry in ClinVar:

NM_024301.5(FKRP):c.160C>G (p.Arg54Gly)

Gene: FKRP (fukutin related protein; plus strand). Cytogenetic location: 19q13.32.
Variant type: single nucleotide variant.
Coding change: c.160C>G on transcript NM_024301.5 (MANE Select); coding-DNA position 160, C replaced by G.
Protein change: p.Arg54Gly; replaces arginine 54 with glycine.
Molecular consequence: missense variant.
Genome position (GRCh38, 1-based): chr19:46,755,610, C>G. VCF-style: chr19-46755610-C-G. GRCh37 (hg19) VCF-style: chr19-47258867-C-G.
Other names: c.160C>G, p.Arg54Gly (NM_001039885.3); short protein forms R54G.
Identifiers: ClinVar variation 2138309 (VCV002138309.5), dbSNP rs28937905, ClinGen allele CA309099208.

ClinVar aggregate classification (germline): Likely pathogenic. Review status: criteria provided, multiple submitters, no conflicts (2 of 4 stars). 2 submissions from 2 submitters: Likely pathogenic (2). Last evaluated 2026-02-05.

Conditions:
Autosomal recessive limb-girdle muscular dystrophy. Identifiers: Orphanet 102015, MedGen C2931907, MONDO:0015152.
Walker-Warburg congenital muscular dystrophy. Also called: Muscular dystrophy-dystroglycanopathy, type A; Walker-Warburg syndrome. Identifiers: Orphanet 899, MedGen C0265221, MONDO:0000171.

Allele frequency attached by ClinVar (database versions not stated): 1000 Genomes Project 0.00020; gnomAD 0.00001; 1000 Genomes Project 30x 0.00016.
gnomAD v4.1: 1 of 1,605,046 alleles (0.000062%); highest among the groups gnomAD compares: East Asian, 0.0022%; no homozygotes.

Submissions (2):

Women's Health and Genetics/Laboratory Corporation of America, LabCorp
Classification: Likely pathogenic for Autosomal recessive limb-girdle muscular dystrophy. Last evaluated: 2026-02-05. Review status: criteria provided, single submitter. Criteria: LabCorp Variant Classification Summary - May 2015. Collection method: clinical testing. Allele origin: germline.
Comment: Variant summary: FKRP c.160C>G (p.Arg54Gly) results in a non-conservative amino acid change in the encoded protein sequence. Algorithms developed to predict the effect of missense changes on protein structure and function all suggest that this variant is likely to be disruptive. The variant allele was found at a frequency of 4.3e-06 in 232120 control chromosomes (gnomAD). c.160C>G has been observed in an individual affected with Limb-Girdle Muscular Dystrophy, Autosomal Recessive (Fu_2016). Other variants affecting the same codon have been classified as likely pathogenic/pathogenic by our lab (e.g. c.160C>T, p.Arg54Trp), supporting the critical relevance of codon 54 to FKRP protein function. At least one publication reports experimental evidence evaluating an impact on protein function, which classified the variant as "damaging-mild" in a saturation mutagenesis assay (Ma_2024). The following publications have been ascertained in the context of this evaluation (PMID: 27439679, 39326416). ClinVar contains an entry for this variant (Variation ID: 2138309). Based on the evidence outlined above, the variant was classified as likely pathogenic.

Labcorp Genetics (formerly Invitae), Labcorp
Classification: Likely pathogenic for Walker-Warburg congenital muscular dystrophy. Last evaluated: 2023-12-13. Review status: criteria provided, single submitter. Criteria: Invitae Variant Classification Sherloc (09022015). Collection method: clinical testing. Allele origin: germline.
Comment: This sequence change replaces arginine, which is basic and polar, with glycine, which is neutral and non-polar, at codon 54 of the FKRP protein (p.Arg54Gly). This variant is not present in population databases (gnomAD no frequency). This missense change has been observed in individual(s) with limb-girdle muscular dystrophy (PMID: 27439679). ClinVar contains an entry for this variant (Variation ID: 2138309). Advanced modeling of protein sequence and biophysical properties (such as structural, functional, and spatial information, amino acid conservation, physicochemical variation, residue mobility, and thermodynamic stability) performed at Invitae indicates that this missense variant is expected to disrupt FKRP protein function with a positive predictive value of 95%. This variant disrupts the p.Arg54 amino acid residue in FKRP. Other variant(s) that disrupt this residue have been determined to be pathogenic (PMID: 14523375, 30003095). This suggests that this residue is clinically significant, and that variants that disrupt this residue are likely to be disease-causing. In summary, the currently available evidence indicates that the variant is pathogenic, but additional data are needed to prove that conclusively. Therefore, this variant has been classified as Likely Pathogenic.

Literature cited by the submitters: PubMed 27439679 (cited by Women's Health and Genetics/Laboratory Corporation of America, LabCorp and Labcorp Genetics (formerly Invitae), Labcorp); PubMed 39326416 (cited by Women's Health and Genetics/Laboratory Corporation of America, LabCorp); PubMed 14523375 (cited by Labcorp Genetics (formerly Invitae), Labcorp); PubMed 30003095 (cited by Labcorp Genetics (formerly Invitae), Labcorp).